The following is an entry in ClinVar:

NM_138425.4(C12orf57):c.257A>G (p.Lys86Arg)

Gene: C12orf57 (chromosome 12 open reading frame 57; plus strand). Cytogenetic location: 12p13.31.
Variant type: single nucleotide variant.
Coding change: c.257A>G on transcript NM_138425.4 (MANE Select); coding-DNA position 257, A replaced by G.
Protein change: p.Lys86Arg; replaces lysine 86 with arginine.
Molecular consequence: missense variant. On other transcripts: non-coding transcript variant (1).
Genome position (GRCh38, 1-based): chr12:6,945,798, A>G. VCF-style: chr12-6945798-A-G. GRCh37 (hg19) VCF-style: chr12-7054961-A-G.
Other names: c.257A>G, p.Lys86Arg (NM_001301834.1); c.218A>G, p.Lys73Arg (NM_001301836.2); c.170A>G, p.Lys57Arg (NM_001301837.2); c.152A>G, p.Lys51Arg (NM_001301838.2); short protein forms K86R, K51R, K73R, K57R.
Identifiers: ClinVar variation 210548 (VCV000210548.23), dbSNP rs139068225, ClinGen allele CA207427.
Genomic context (GRCh38, chr12:6,945,798, plus strand): 5'-GGAGAAGGGTTGACCTTCCACTCCCTCTTGCAGGTGTCCTTAAGTTTGCTCGCTTGGTCA[A>G]GTCCTACGAAGCCCAGGATCCTGAGATCGCCAGCCTGTCAGGCAAGCTGAAGGCGCTGTT-3'
Protein context (NP_612434.1, residues 76-96): EGVLKFARLV[Lys86Arg]SYEAQDPEIA

ClinVar aggregate classification (germline): Conflicting classifications of pathogenicity. Review status: criteria provided, conflicting classifications (1 of 4 stars). 7 submissions from 7 submitters: Uncertain significance (6); Likely benign (1). Last evaluated 2026-04-01.

Conditions:
Temtamy syndrome (TEMTYS). Also called: MENTAL RETARDATION WITH OR WITHOUT CRANIOFACIAL DYSMORPHISM, OCULAR COLOBOMA, OR ABNORMAL CORPUS CALLOSUM. Identifiers: Orphanet 1777, MedGen C1857512, MONDO:0009033, OMIM 218340.

Allele frequency attached by ClinVar (database versions not stated): gnomAD 0.00058 and 0.00059; gnomAD exomes 0.00060 and 0.00111; TOPMed 0.00060; ESP Exome Variant Server 0.00100; 1000 Genomes Project 30x 0.00016; 1000 Genomes Project 0.00020; ExAC 0.00054.
gnomAD v4.1: 1,721 of 1,613,780 alleles (0.11%); highest among the groups gnomAD compares: Middle Eastern, 0.13%; 2 homozygotes.

Submissions (12):

CeGaT Center for Human Genetics Tuebingen
Classification: Likely benign. Last evaluated: 2026-04-01. Review status: criteria provided, single submitter. Criteria: CeGaT Center For Human Genetics Tuebingen Variant Classification Criteria Version 2. Collection method: clinical testing. Allele origin: germline. Affected: yes. Observed: 3 variant alleles.
Comment: C12orf57: BP4, BS2

ARUP Laboratories, Molecular Genetics and Genomics, ARUP Laboratories
Classification: Uncertain significance for Temtamy syndrome. Last evaluated: 2025-02-12. Review status: criteria provided, single submitter. Criteria: ARUP Molecular Germline Variant Investigation Process 2024. Collection method: clinical testing. Allele origin: germline.

Blueprint Genetics
Classification: Uncertain significance. Last evaluated: 2024-11-27. Review status: criteria provided, single submitter. Criteria: ACMG Guidelines, 2015. Collection method: clinical testing. Allele origin: germline.

Labcorp Genetics (formerly Invitae), Labcorp
Classification: Uncertain significance for Temtamy syndrome. Last evaluated: 2022-10-18. Review status: criteria provided, single submitter. Criteria: Invitae Variant Classification Sherloc (09022015). Collection method: clinical testing. Allele origin: germline.
Comment: This sequence change replaces lysine, which is basic and polar, with arginine, which is basic and polar, at codon 86 of the C12orf57 protein (p.Lys86Arg). This variant is present in population databases (rs139068225, gnomAD 0.09%), and has an allele count higher than expected for a pathogenic variant. This variant has not been reported in the literature in individuals affected with C12orf57-related conditions. ClinVar contains an entry for this variant (Variation ID: 210548). Algorithms developed to predict the effect of missense changes on protein structure and function (SIFT, PolyPhen-2, Align-GVGD) all suggest that this variant is likely to be tolerated. In summary, the available evidence is currently insufficient to determine the role of this variant in disease. Therefore, it has been classified as a Variant of Uncertain Significance.

Knight Diagnostic Laboratories, Oregon Health and Sciences University
Classification: Uncertain significance for Temtamy syndrome. Last evaluated: 2019-03-18. Review status: criteria provided, single submitter. Criteria: ACMG Guidelines, 2015. Collection method: clinical testing. Allele origin: germline. Observed: 1 variant allele.

Genetic Services Laboratory, University of Chicago
Classification: Uncertain significance. Last evaluated: 2015-06-24. Review status: criteria provided, single submitter. Criteria: ACMG Guidelines, 2015. Collection method: clinical testing. Allele origin: germline.

Breakthrough Genomics
Classification: Uncertain significance. Review status: criteria provided, single submitter. Criteria: ACMG Guidelines, 2015. Collection method: not provided. Allele origin: germline. Inheritance: Autosomal recessive inheritance. Affected: yes.

Dr. Peter K. Rogan Lab, Western University
No classification provided (evidence only). Condition: Clear cell carcinoma of kidney. Review status: no classification provided. Collection method: in vitro. Allele origin: not applicable. Functional consequence: retained intron. Not counted in ClinVar's aggregate classification.

Dr. Peter K. Rogan Lab, Western University
No classification provided (evidence only). Condition: Clear cell carcinoma of kidney. Review status: no classification provided. Collection method: in vitro. Allele origin: not applicable. Functional consequence: retained intron. Not counted in ClinVar's aggregate classification.

Dr. Peter K. Rogan Lab, Western University
No classification provided (evidence only). Condition: Clear cell carcinoma of kidney. Review status: no classification provided. Collection method: in vitro. Allele origin: not applicable. Functional consequence: retained intron. Not counted in ClinVar's aggregate classification.

Dr. Peter K. Rogan Lab, Western University
No classification provided (evidence only). Condition: Melanoma. Review status: no classification provided. Collection method: in vitro. Allele origin: not applicable. Functional consequence: retained intron. Not counted in ClinVar's aggregate classification.

Dr. Peter K. Rogan Lab, Western University
No classification provided (evidence only). Condition: Hepatocellular carcinoma. Review status: no classification provided. Collection method: in vitro. Allele origin: not applicable. Functional consequence: retained intron. Not counted in ClinVar's aggregate classification.